The following is an entry in ClinVar:

ClinVar aggregate classification (germline): Uncertain significance (1 of 4 stars; one submission).

Conditions:
Multiple endocrine neoplasia, type 2 (MEN2). Identifiers: Orphanet 653, MedGen C4048306, MONDO:0019003. Disease mechanism: gain of function.

Submission:

Labcorp Genetics (formerly Invitae), Labcorp
Classification: Uncertain significance for Multiple endocrine neoplasia, type 2. Last evaluated: 2024-04-09. Review status: criteria provided, single submitter. Criteria: Invitae Variant Classification Sherloc (09022015). Collection method: clinical testing. Allele origin: germline.
Comment: This sequence change replaces valine, which is neutral and non-polar, with aspartic acid, which is acidic and polar, at codon 121 of the RET protein (p.Val121Asp). This variant is not present in population databases (gnomAD no frequency). This variant has not been reported in the literature in individuals affected with RET-related conditions. An algorithm developed to predict the effect of missense changes on protein structure and function (PolyPhen-2) suggests that this variant is likely to be disruptive. In summary, the available evidence is currently insufficient to determine the role of this variant in disease. Therefore, it has been classified as a Variant of Uncertain Significance.

NM_020975.6(RET):c.362T>A (p.Val121Asp)

Gene: RET (ret proto-oncogene; plus strand). Cytogenetic location: 10q11.21.
Variant type: single nucleotide variant.
Coding change: c.362T>A on transcript NM_020975.6 (MANE Select); coding-DNA position 362, T replaced by A.
Protein change: p.Val121Asp; replaces valine 121 with aspartic acid.
Molecular consequence: missense variant. On other transcripts: intron variant (22).
Genome position (GRCh38, 1-based): chr10:43,102,366, T>A. VCF-style: chr10-43102366-T-A. GRCh37 (hg19) VCF-style: chr10-43597814-T-A.
Other names: c.338-105T>A (NM_001406762.1, NM_001406761.1, NM_001406768.1 and 4 more transcripts); c.337+1644T>A (NM_001406770.1, NM_001406766.1, NM_001406767.1 and 8 more transcripts); c.74-6665T>A (NM_001406784.1); c.74-9733T>A (NM_001406794.1, NM_001406792.1, NM_001406793.1); c.362T>A, p.Val121Asp (NM_001406743.1, NM_001406744.1, NM_001406759.1 and 14 more transcripts); short protein forms V121D.
Identifiers: ClinVar variation 3649278 (VCV003649278.2).
Genomic context (GRCh38, chr10:43,102,366, plus strand): 5'-GGCCGATGCCCCCACAGACCTGACTTCTCTCTGCAGACCGCGGCTTTCCCCTGCTCACCG[T>A]CTACCTCAAGGTCTTCCTGTCACCCACATCCCTTCGTGAGGGCGAGTGCCAGTGGCCAGG-3'
Protein context (NP_066124.1, residues 111-131): VRNRGFPLLT[Val121Asp]YLKVFLSPTS